The following is an entry in ClinVar:

NM_006017.3(PROM1):c.262A>T (p.Ile88Phe)

Gene: PROM1 (prominin 1; minus strand). Cytogenetic location: 4p15.32.
Variant type: single nucleotide variant.
Coding change: c.262A>T on transcript NM_006017.3 (MANE Select); coding-DNA position 262, A replaced by T.
Protein change: p.Ile88Phe; replaces isoleucine 88 with phenylalanine.
Molecular consequence: missense variant.
Genome position (GRCh38, 1-based): chr4:16,038,960, T>A on the plus strand (A>T on the coding strand, the complement: PROM1 is on the minus strand). VCF-style: chr4-16038960-T-A. GRCh37 (hg19) VCF-style: chr4-16040583-T-A.
Other names: c.262A>T, p.Ile88Phe (NM_001145847.2, NM_001145848.2, NM_001145849.2 and 6 more transcripts); short protein forms I88F.
Identifiers: ClinVar variation 1395089 (VCV001395089.7), dbSNP rs754495780, ClinGen allele CA2867132.
Genomic context (GRCh38, chr4:16,038,960, plus strand): 5'-CTCATACTTCGTATTTTTAATAATAAATACACCAATGAAAAATTACCTTGTCATAATCAA[T>A]TTTGGATTCATATGCCTTCTGTAAGAATTTTCTCAAAGTATCTGGAAAAAAAGCCACAAA-3'
Protein context (NP_006008.1, residues 78-98): KFLQKAYESK[Ile88Phe]DYDKPETVIL

ClinVar aggregate classification (germline): Uncertain significance. Review status: criteria provided, multiple submitters, no conflicts (2 of 4 stars). 2 submissions from 2 submitters: Uncertain significance (2). Last evaluated 2024-09-19.

Allele frequency attached by ClinVar (database versions not stated): gnomAD exomes 0.00002; ExAC 0.00003.

Submissions (2):

Blueprint Genetics
Classification: Uncertain significance. Last evaluated: 2024-09-19. Review status: criteria provided, single submitter. Criteria: ACMG Guidelines, 2015. Collection method: clinical testing. Allele origin: germline.

Labcorp Genetics (formerly Invitae), Labcorp
Classification: Uncertain significance. Last evaluated: 2022-07-12. Review status: criteria provided, single submitter. Criteria: Invitae Variant Classification Sherloc (09022015). Collection method: clinical testing. Allele origin: germline.
Comment: This variant has not been reported in the literature in individuals affected with PROM1-related conditions. ClinVar contains an entry for this variant (Variation ID: 1395089). Algorithms developed to predict the effect of missense changes on protein structure and function are either unavailable or do not agree on the potential impact of this missense change (SIFT: "Tolerated"; PolyPhen-2: "Possibly Damaging"; Align-GVGD: "Class C0"). In summary, the available evidence is currently insufficient to determine the role of this variant in disease. Therefore, it has been classified as a Variant of Uncertain Significance. This variant is present in population databases (rs754495780, gnomAD 0.004%). This sequence change replaces isoleucine, which is neutral and non-polar, with phenylalanine, which is neutral and non-polar, at codon 88 of the PROM1 protein (p.Ile88Phe).